The following is an entry in ClinVar:

NM_004046.6(ATP5F1A):c.905A>C (p.Asp302Ala)

Gene: ATP5F1A (ATP synthase F1 subunit alpha; minus strand). Cytogenetic location: 18q21.1.
Variant type: single nucleotide variant.
Coding change: c.905A>C on transcript NM_004046.6 (MANE Select); coding-DNA position 905, A replaced by C.
Protein change: p.Asp302Ala; replaces aspartic acid 302 with alanine.
Molecular consequence: missense variant.
Genome position (GRCh38, 1-based): chr18:46,087,387, T>G on the plus strand (A>C on the coding strand, the complement: ATP5F1A is on the minus strand). VCF-style: chr18-46087387-T-G. GRCh37 (hg19) VCF-style: chr18-43667353-T-G.
Other names: c.755A>C, p.Asp252Ala (NM_001001935.3, NM_001257335.2); c.905A>C, p.Asp302Ala (NM_001001937.2); c.839A>C, p.Asp280Ala (NM_001257334.2); short protein forms D252A, D280A, D302A.
Identifiers: ClinVar variation 3384302 (VCV003384302.1).

ClinVar aggregate classification (germline): Uncertain significance (1 of 4 stars; one submission).

Submission:

GeneDx
Classification: Uncertain significance. Last evaluated: 2024-06-06. Review status: criteria provided, single submitter. Criteria: GeneDx Variant Classification Process June 2021. Collection method: clinical testing. Allele origin: germline. Affected: yes.
Comment: Not observed at significant frequency in large population cohorts (gnomAD); In silico analysis supports that this missense variant has a deleterious effect on protein structure/function; Has not been previously published as pathogenic or benign to our knowledge